The following is an entry in ClinVar:

NM_004656.4(BAP1):c.1006del (p.Val335_Val336insTer)

Gene: BAP1 (BRCA1 associated deubiquitinase 1; minus strand). Cytogenetic location: 3p21.1.
Variant type: Deletion.
Coding change: c.1006del on transcript NM_004656.4 (MANE Select); coding-DNA position 1006, one base deleted (G; older notation c.1006delG).
Protein change: p.Val335_Val336insTer.
Molecular consequence: nonsense.
Genome position (GRCh38, 1-based): chr3:52,405,220, C deleted on the plus strand (G on the coding strand, the reverse complement: BAP1 is on the minus strand); the first of 2 consecutive C bases (chr3:52,405,220-52,405,221); deleting either gives the same sequence. VCF-style (leftmost placement, unchanged base first): chr3-52405219-AC-A. GRCh37 (hg19) VCF-style: chr3-52439235-AC-A.
Other names: c.952del, p.Val317_Val318insTer (NM_001410772.1); c.1006delG (NM_004656.2).
Identifiers: ClinVar variation 3384350 (VCV003384350.3).

ClinVar aggregate classification (germline): Pathogenic. Review status: criteria provided, multiple submitters, no conflicts (2 of 4 stars). 3 submissions from 3 submitters: Pathogenic (3). Last evaluated 2024-12-31.

Conditions:
Hereditary cancer-predisposing syndrome. Also called: Neoplastic Syndromes, Hereditary; Hereditary Cancer Syndrome; Tumor predisposition; Hereditary neoplastic syndrome. Identifiers: Orphanet 140162, MedGen C0027672, MeSH D009386, MONDO:0015356.
BAP1-related tumor predisposition syndrome (TPDS1). Also called: Tumor susceptibility linked to germline BAP1 mutations; TUMOR PREDISPOSITION SYNDROME 1; COMMON Syndrome; BAP1 tumor predisposition syndrome. Identifiers: Orphanet 289539, MedGen C3280492, MONDO:0013692, OMIM 614327.

Submissions (3):

Myriad Genetics, Inc.
Classification: Pathogenic for BAP1-related tumor predisposition syndrome. Last evaluated: 2024-12-31. Review status: criteria provided, single submitter. Criteria: Myriad Autosomal Dominant, Autosomal Recessive and X-Linked Classification Criteria (2023). Collection method: clinical testing. Allele origin: unknown.
Comment: This variant is considered pathogenic. This variant creates a termination codon and is predicted to result in premature protein truncation.

Ambry Genetics
Classification: Pathogenic for Hereditary cancer-predisposing syndrome. Last evaluated: 2024-12-11. Review status: criteria provided, single submitter. Criteria: Ambry Variant Classification Scheme 2023. Collection method: clinical testing. Allele origin: germline.
Comment: The c.1006delG pathogenic mutation, located in coding exon 11 of the BAP1 gene, results from a deletion of one nucleotide at nucleotide position 1006, causing a translational frameshift with a predicted alternate stop codon (p.V336*). This variant was reported in individual(s) with features consistent with BAP1-related tumor predisposition syndrome (Ambry internal data). This variant is considered to be rare based on population cohorts in the Genome Aggregation Database (gnomAD). This alteration is expected to result in loss of function by premature protein truncation or nonsense-mediated mRNA decay. As such, this alteration is interpreted as a disease-causing mutation.

GeneDx
Classification: Pathogenic. Last evaluated: 2024-06-03. Review status: criteria provided, single submitter. Criteria: GeneDx Variant Classification Process June 2021. Collection method: clinical testing. Allele origin: germline. Affected: yes.
Comment: Nonsense variant predicted to result in protein truncation or nonsense mediated decay in a gene for which loss of function is a known mechanism of disease; Not observed at significant frequency in large population cohorts (gnomAD)